The following is an entry in ClinVar:

ClinVar aggregate classification (germline): Pathogenic (1 of 4 stars; one submission).

Conditions:
Hypokalemic periodic paralysis, type 1. Also called: Hypokalemic Periodic Paralysis Type 1 (AD); HypoPP. Identifiers: Orphanet 681, MedGen C3714580, MONDO:0042979, OMIM 170400.

Submission:

Laboratory of Molecular Genetics, Research Center of Neurology
Classification: Pathogenic for Hypokalemic periodic paralysis, type 1. Review status: criteria provided, single submitter. Criteria: ACMG Guidelines, 2015. Collection method: clinical testing. Allele origin: de novo. Inheritance: Autosomal dominant inheritance. Affected: yes. Observed: 1 heterozygote.
Comment: The c.2699G>T (p.Arg900Met) variant in CACNA1S is absent in the ExAc and gnomAD databases. Also the pathological variants in the same Arg900 substituting for another amino acid (Arg900Gly, Arg900Ser), associated with hypokalemic periodic paralysis have already been reported (Ke 2015, Matthews 2009). When positively charged Arg900 is replaced by nonpolar Met, the pattern of substitution of ion pairs at the movement of the S4 helix is partially violated, resulting in a decrease in the probability of the transition of the entire channel to the open state (Matthews 2009). In summary, the p.Arg900Met variant meets the criteria to be classified as pathogenic (ACMG criteria, 2015, PS2, PM1, PM2, PM5).

Literature cited by the submitters: PubMed 26433613; PubMed 19118277.

NM_000069.3(CACNA1S):c.2699G>T (p.Arg900Met)

Gene: CACNA1S (calcium voltage-gated channel subunit alpha1 S; minus strand). Cytogenetic location: 1q32.1.
Variant type: single nucleotide variant.
Coding change: c.2699G>T on transcript NM_000069.3 (MANE Select); coding-DNA position 2699, G replaced by T.
Protein change: p.Arg900Met; replaces arginine 900 with methionine.
Molecular consequence: missense variant.
Genome position (GRCh38, 1-based): chr1:201,066,275, C>A on the plus strand (G>T on the coding strand, the complement: CACNA1S is on the minus strand). VCF-style: chr1-201066275-C-A. GRCh37 (hg19) VCF-style: chr1-201035403-C-A.
Other names: p.Arg900Met; short protein forms R900M.
Identifiers: ClinVar variation 2575080 (VCV002575080.2), dbSNP rs2464520880, ClinGen allele CA344102480.